The following is an entry in ClinVar:

NM_013275.6(ANKRD11):c.1444G>T (p.Glu482Ter)

Gene: ANKRD11 (ankyrin repeat domain containing 11; minus strand). Cytogenetic location: 16q24.3.
Variant type: single nucleotide variant.
Coding change: c.1444G>T on transcript NM_013275.6 (MANE Select); coding-DNA position 1444, G replaced by T.
Protein change: p.Glu482Ter; replaces glutamic acid 482 with a stop codon.
Molecular consequence: nonsense.
Genome position (GRCh38, 1-based): chr16:89,285,098, C>A on the plus strand (G>T on the coding strand, the complement: ANKRD11 is on the minus strand). VCF-style: chr16-89285098-C-A. GRCh37 (hg19) VCF-style: chr16-89351506-C-A.
Other names: c.1444G>T, p.Glu482Ter (NM_001256182.2, NM_001256183.2); short protein forms E482*.
Identifiers: ClinVar variation 1691734 (VCV001691734.2), dbSNP rs2151764381, ClinGen allele CA397164945.

ClinVar aggregate classification (germline): Pathogenic (1 of 4 stars; one submission).

Submission:

GeneDx
Classification: Pathogenic. Last evaluated: 2022-06-15. Review status: criteria provided, single submitter. Criteria: GeneDx Variant Classification Process June 2021. Collection method: clinical testing. Allele origin: germline. Affected: yes.
Comment: Nonsense variant predicted to result in protein truncation or nonsense mediated decay in a gene for which loss of function is a known mechanism of disease; Not observed at significant frequency in large population cohorts (gnomAD); This variant is associated with the following publications: (PMID: 26633542)